The following is an entry in ClinVar:

ClinVar aggregate classification (germline): Uncertain significance (1 of 4 stars; one submission).

Conditions:
Hereditary breast ovarian cancer syndrome. Also called: Breast and ovarian cancer; Hereditary breast and ovarian cancer syndrome; Hereditary breast and ovarian cancer syndrome (HBOC); BRCA1- and BRCA2-Associated Hereditary Breast and Ovarian Cancer; Hereditary breast and/or ovarian cancer syndrome; Hereditary breast and ovarian cancer. Identifiers: Orphanet 145, MedGen C0677776, MeSH D061325, MONDO:0003582. Disease mechanism: loss of function.

gnomAD v4.1: 1 of 1,613,878 alleles (0.000062%); no homozygotes.

Submission:

Labcorp Genetics (formerly Invitae), Labcorp
Classification: Uncertain significance for Hereditary breast ovarian cancer syndrome. Last evaluated: 2025-07-29. Review status: criteria provided, single submitter. Criteria: Invitae Variant Classification Sherloc (09022015). Collection method: clinical testing. Allele origin: germline.
Comment: This sequence change replaces threonine, which is neutral and polar, with asparagine, which is neutral and polar, at codon 1803 of the BRCA2 protein (p.Thr1803Asn). This variant is not present in population databases (gnomAD no frequency). This variant has not been reported in the literature in individuals affected with BRCA2-related conditions. Invitae Evidence Modeling of protein sequence and biophysical properties (such as structural, functional, and spatial information, amino acid conservation, physicochemical variation, residue mobility, and thermodynamic stability) indicates that this missense variant is not expected to disrupt BRCA2 protein function with a negative predictive value of 95%. In summary, the available evidence is currently insufficient to determine the role of this variant in disease. Therefore, it has been classified as a Variant of Uncertain Significance.

NM_000059.4(BRCA2):c.5408C>A (p.Thr1803Asn)

Gene: BRCA2 (BRCA2 DNA repair associated; plus strand). Cytogenetic location: 13q13.1.
Variant type: single nucleotide variant.
Coding change: c.5408C>A on transcript NM_000059.4 (MANE Select); coding-DNA position 5408, C replaced by A.
Protein change: p.Thr1803Asn; replaces threonine 1803 with asparagine.
Molecular consequence: missense variant. On other transcripts: non-coding transcript variant (1), intron variant (2).
Genome position (GRCh38, 1-based): chr13:32,339,763, C>A. VCF-style: chr13-32339763-C-A. GRCh37 (hg19) VCF-style: chr13-32913900-C-A.
Other names: c.5408C>A, p.Thr1803Asn (NM_001406719.1, NM_001406720.1, NM_001432077.1); c.1910-4795C>A (NM_001406721.1); c.425-4795C>A (NM_001406722.1); short protein forms T1803N.
Identifiers: ClinVar variation 4772641 (VCV004772641.1).